The following is an entry in ClinVar:

NM_015102.5(NPHP4):c.189_192del (p.Phe63fs)

Gene: NPHP4 (nephrocystin 4; minus strand). Cytogenetic location: 1p36.31.
Variant type: Deletion.
Coding change: c.189_192del on transcript NM_015102.5 (MANE Select); coding-DNA positions 189 to 192, 4 bases deleted (TGAT; older notation c.189_192delTGAT).
Protein change: p.Phe63fs; shifts the reading frame from phenylalanine 63.
Molecular consequence: frameshift variant. On other transcripts: 5 prime UTR variant (1), non-coding transcript variant (1), intron variant (1).
Genome position (GRCh38, 1-based): chr1:5,978,357-5,978,360, ATCA deleted on the plus strand (TGAT on the coding strand, the reverse complement: NPHP4 is on the minus strand); deleting any 4 consecutive bases within chr1:5,978,357-5,978,361 gives the same sequence; the c. name uses the placement nearest the transcript's 3' end. VCF-style (leftmost placement, unchanged base first): chr1-5978356-CATCA-C. GRCh37 (hg19) VCF-style: chr1-6038416-CATCA-C.
Other names: c.-1041_-1038del (NM_001291593.2); c.-1087-9101_-1087-9098del (NM_001291594.2); short protein forms F63fs.
Identifiers: ClinVar variation 501697 (VCV000501697.12), dbSNP rs1553200990, ClinGen allele CA520735099.

ClinVar aggregate classification (germline): Pathogenic/Likely pathogenic. Review status: criteria provided, multiple submitters, no conflicts (2 of 4 stars). 3 submissions from 3 submitters: Pathogenic (2); Likely pathogenic (1). Last evaluated 2025-07-17.

Conditions:
Nephronophthisis. Also called: Juvenile Nephronophthisis. Identifiers: Orphanet 655, MedGen C0687120, MONDO:0019005, HP:0000090.
Nephronophthisis 4 (NPHP4). Also called: NEPHRONOPHTHISIS 4, JUVENILE. Identifiers: Orphanet 655, MedGen C1847013, MONDO:0011752, OMIM 606966.

Submissions (3):

Labcorp Genetics (formerly Invitae), Labcorp
Classification: Pathogenic for Nephronophthisis. Last evaluated: 2025-07-17. Review status: criteria provided, single submitter. Criteria: Invitae Variant Classification Sherloc (09022015). Collection method: clinical testing. Allele origin: germline.
Comment: This sequence change creates a premature translational stop signal (p.Phe63Leufs*16) in the NPHP4 gene. It is expected to result in an absent or disrupted protein product. Loss-of-function variants in NPHP4 are known to be pathogenic (PMID: 12205563, 23559409). This variant is present in population databases (no rsID available, gnomAD 0.003%). This variant has not been reported in the literature in individuals affected with NPHP4-related conditions. ClinVar contains an entry for this variant (Variation ID: 501697). For these reasons, this variant has been classified as Pathogenic.

Women's Health and Genetics/Laboratory Corporation of America, LabCorp
Classification: Likely pathogenic for Nephronophthisis 4. Last evaluated: 2019-03-05. Review status: criteria provided, single submitter. Criteria: LabCorp Variant Classification Summary - May 2015. Collection method: clinical testing. Allele origin: germline.
Comment: Variant summary: NPHP4 c.189_192delTGAT (p.Phe63LeufsX16) results in a premature termination codon, predicted to cause a truncation of the encoded protein or absence of the protein due to nonsense mediated decay, which are commonly known mechanisms for disease. Truncations downstream of this position have been reported in several individuals affected with Nephronophthisis 4 in HGMD. The variant allele was found at a frequency of 4.2e-06 in 238746 control chromosomes (gnomAD). To our knowledge, no occurrence of c.189_192delTGAT in individuals affected with Nephronophthisis 4, and no experimental evidence demonstrating its impact on protein function have been reported. One clinical diagnostic laboratory has submitted clinical-significance assessments for this variant to ClinVar after 2014 without evidence for independent evaluation, and classified the variant as pathogenic. Based on the evidence outlined above, the variant was classified as likely pathogenic.

Eurofins Ntd Llc (ga)
Classification: Pathogenic. Last evaluated: 2017-05-02. Review status: criteria provided, single submitter. Criteria: EGL Classification Definitions 2015. Collection method: clinical testing. Allele origin: germline. Observed: 1 variant allele, 1 heterozygote.

Literature cited by the submitters: PubMed 12205563 (cited by Labcorp Genetics (formerly Invitae), Labcorp); PubMed 23559409 (cited by Labcorp Genetics (formerly Invitae), Labcorp).